The following is an entry in ClinVar:

NM_000179.3(MSH6):c.373A>T (p.Lys125Ter)

Gene: MSH6 (mutS homolog 6; plus strand). Cytogenetic location: 2p16.3.
Variant type: single nucleotide variant.
Coding change: c.373A>T on transcript NM_000179.3 (MANE Select); coding-DNA position 373, A replaced by T.
Protein change: p.Lys125Ter; replaces lysine 125 with a stop codon.
Molecular consequence: nonsense. On other transcripts: 5 prime UTR variant (7), non-coding transcript variant (5), intron variant (6).
Genome position (GRCh38, 1-based): chr2:47,791,039, A>T. VCF-style: chr2-47791039-A-T. GRCh37 (hg19) VCF-style: chr2-48018178-A-T.
Other names: NC_000002.11:g.48018178A>T; c.-364A>T (NM_001281493.2, NM_001406811.1, NM_001406823.1 and 1 more transcripts); c.-530A>T (NM_001281494.2); c.469A>T, p.Lys157Ter (NM_001406795.1, NM_001406802.1); c.373A>T, p.Lys125Ter (NM_001406796.1, NM_001406798.1, NM_001406800.1 and 6 more transcripts); c.76A>T, p.Lys26Ter (NM_001406797.1, NM_001406801.1, NM_001406805.1 and 10 more transcripts); c.295A>T, p.Lys99Ter (NM_001406804.1); c.-556A>T (NM_001406807.1); and 7 more; short protein forms K125*, K157*, K26*, K69*, K99*.
Identifiers: ClinVar variation 2673667 (VCV002673667.3), dbSNP rs372352774, ClinGen allele CA346737032.

ClinVar aggregate classification (germline): Pathogenic. Review status: criteria provided, multiple submitters, no conflicts (2 of 4 stars). 2 submissions from 2 submitters: Pathogenic (2). Last evaluated 2025-06-09.

Conditions:
Hereditary cancer-predisposing syndrome. Also called: Tumor predisposition; Hereditary neoplastic syndrome; Neoplastic Syndromes, Hereditary; Hereditary Cancer Syndrome. Identifiers: Orphanet 140162, MedGen C0027672, MeSH D009386, MONDO:0015356.
Lynch syndrome 5 (LYNCH5). Also called: Colorectal cancer, hereditary nonpolyposis, type 5; Hereditary non-polyposis colorectal cancer, type 5. Identifiers: Orphanet 144, MedGen C1833477, MONDO:0013710, OMIM 614350. Disease mechanism: loss of function.

Submissions (3):

Ambry Genetics
Classification: Pathogenic for Hereditary cancer-predisposing syndrome. Last evaluated: 2025-06-09. Review status: criteria provided, single submitter. Criteria: Ambry Variant Classification Scheme 2023. Collection method: clinical testing. Allele origin: germline.
Comment: The p.K125* pathogenic mutation (also known as c.373A>T), located in coding exon 2 of the MSH6 gene, results from an A to T substitution at nucleotide position 373. This changes the amino acid from a lysine to a stop codon within coding exon 2. This alteration is expected to result in loss of function by premature protein truncation or nonsense-mediated mRNA decay. As such, this alteration is interpreted as a disease-causing mutation.

Myriad Genetics, Inc.
Classification: Pathogenic for Lynch syndrome 5. Last evaluated: 2023-08-10. Review status: criteria provided, single submitter. Criteria: Myriad Autosomal Dominant, Autosomal Recessive and X-Linked Classification Criteria (2023). Collection method: clinical testing. Allele origin: unknown.
Comment: This variant is considered pathogenic. This variant creates a termination codon and is predicted to result in premature protein truncation.

Dr. Peter K. Rogan Lab, Western University
No classification provided (evidence only). Condition: Pancreatic adenocarcinoma. Review status: no classification provided. Collection method: in vitro. Allele origin: not applicable. Functional consequence: retained intron. Not counted in ClinVar's aggregate classification.